The following is an entry in ClinVar:

NM_033056.4(PCDH15):c.5620G>A (p.Asp1874Asn)

Gene: PCDH15 (protocadherin related 15; minus strand). Cytogenetic location: 10q21.1.
Variant type: single nucleotide variant.
Coding change: c.5620G>A on transcript NM_033056.4 (MANE Plus Clinical); coding-DNA position 5620, G replaced by A.
Protein change: p.Asp1874Asn; replaces aspartic acid 1874 with asparagine.
Molecular consequence: missense variant. On other transcripts: intron variant (8).
Genome position (GRCh38, 1-based): chr10:53,822,106, C>T on the plus strand (G>A on the coding strand, the complement: PCDH15 is on the minus strand). VCF-style: chr10-53822106-C-T. GRCh37 (hg19) VCF-style: chr10-55581866-C-T.
Other names: c.5641G>A, p.Asp1881Asn (NM_001142763.2); c.5626G>A, p.Asp1876Asn (NM_001142764.2); c.5413G>A, p.Asp1805Asn (NM_001142765.2); c.5611G>A, p.Asp1871Asn (NM_001142766.2); c.5500G>A, p.Asp1834Asn (NM_001142767.2); c.5560G>A, p.Asp1854Asn (NM_001142768.2); c.5551G>A, p.Asp1851Asn (NM_001142773.2); c.5554G>A, p.Asp1852Asn (NM_001354404.2); and 7 more; short protein forms D1805N, D1874N, D1876N, D1881N, D1851N, D1871N, D1834N, D1852N.
Identifiers: ClinVar variation 1493191 (VCV001493191.6), dbSNP rs751570688, ClinGen allele CA5504995.
Genomic context (GRCh38, chr10:53,822,106, plus strand): 5'-TTTCAAGTTCTGCTAAGTTTTTAACGTGTCTGAGGATGCCTTTTGGTTCTCTCTGAGGGT[C>T]TGTTTTACACACTGTCGTTGTTGATAGCTGTGTCATAGAGGACTTAATTTTCTCGGCAGG-3'
Protein context (NP_149045.3, residues 1864-1884): QLSTTTVCKT[Asp1874Asn]PQREPKGILR

ClinVar aggregate classification (germline): Uncertain significance. Review status: criteria provided, multiple submitters, no conflicts (2 of 4 stars). 3 submissions from 3 submitters: Uncertain significance (3). Last evaluated 2025-10-29.

Conditions:
Inborn genetic diseases. Identifiers: MedGen C0950123, MeSH D030342.

Allele frequency attached by ClinVar (database versions not stated): gnomAD exomes 0.00002; TOPMed 0.00001; ExAC 0.00001; gnomAD 0.00001.
gnomAD v4.1: 11 of 1,613,662 alleles (0.00068%); highest among the groups gnomAD compares: Admixed American, 0.012%; no homozygotes.

Submissions (3):

Ambry Genetics
Classification: Uncertain significance for Inborn genetic diseases. Last evaluated: 2025-10-29. Review status: criteria provided, single submitter. Criteria: Ambry Variant Classification Scheme 2023. Collection method: clinical testing. Allele origin: germline.

Labcorp Genetics (formerly Invitae), Labcorp
Classification: Uncertain significance. Last evaluated: 2024-10-15. Review status: criteria provided, single submitter. Criteria: Invitae Variant Classification Sherloc (09022015). Collection method: clinical testing. Allele origin: germline.
Comment: This sequence change replaces aspartic acid, which is acidic and polar, with asparagine, which is neutral and polar, at codon 1874 of the PCDH15 protein (p.Asp1874Asn). This variant is present in population databases (rs751570688, gnomAD 0.01%). This variant has not been reported in the literature in individuals affected with PCDH15-related conditions. ClinVar contains an entry for this variant (Variation ID: 1493191). Invitae Evidence Modeling of protein sequence and biophysical properties (such as structural, functional, and spatial information, amino acid conservation, physicochemical variation, residue mobility, and thermodynamic stability) indicates that this missense variant is not expected to disrupt PCDH15 protein function with a negative predictive value of 95%. In summary, the available evidence is currently insufficient to determine the role of this variant in disease. Therefore, it has been classified as a Variant of Uncertain Significance.

Blueprint Genetics
Classification: Uncertain significance. Last evaluated: 2018-09-27. Review status: criteria provided, single submitter. Criteria: ACMG Guidelines, 2015. Collection method: clinical testing. Allele origin: germline.